The following is an entry in ClinVar:

NM_001276270.2(MBD4):c.874G>C (p.Asp292His)

Gene: MBD4 (methyl-CpG binding domain 4, DNA glycosylase; minus strand). Cytogenetic location: 3q21.3.
Variant type: single nucleotide variant.
Coding change: c.874G>C on transcript NM_001276270.2 (MANE Select); coding-DNA position 874, G replaced by C.
Protein change: p.Asp292His; replaces aspartic acid 292 with histidine.
Molecular consequence: missense variant. On other transcripts: intron variant (1).
Genome position (GRCh38, 1-based): chr3:129,436,770, C>G on the plus strand (G>C on the coding strand, the complement: MBD4 is on the minus strand). VCF-style: chr3-129436770-C-G. GRCh37 (hg19) VCF-style: chr3-129155613-C-G.
Other names: c.874G>C, p.Asp292His (NM_001276271.2, NM_001276272.2, NM_003925.3); c.247+1038G>C (NM_001276273.2); short protein forms D292H.
Identifiers: ClinVar variation 4104599 (VCV004104599.1).
Genomic context (GRCh38, chr3:129,436,770, plus strand): 5'-TTTTTACAAGGCTGTTTTCTTCACTGGTCACACTGAGGGTCTCACCACATGCTCCAGCAT[C>G]AGAAATGCAGACAGTTCTATCAAGCTGACTTTTTTGTGCAACAGGTTCACTTTCAGCATC-3'
Protein context (NP_001263199.1, residues 282-302): SQLDRTVCIS[Asp292His]AGACGETLSV

ClinVar aggregate classification (germline): Uncertain significance (1 of 4 stars; one submission).

Conditions:
Inborn genetic diseases. Identifiers: MedGen C0950123, MeSH D030342.

Submission:

Ambry Genetics
Classification: Uncertain significance for Inborn genetic diseases. Last evaluated: 2025-06-26. Review status: criteria provided, single submitter. Criteria: Ambry Variant Classification Scheme 2023. Collection method: clinical testing. Allele origin: germline.
Comment: The p.D292H variant (also known as c.874G>C), located in coding exon 3 of the MBD4 gene, results from a G to C substitution at nucleotide position 874. The aspartic acid at codon 292 is replaced by histidine, an amino acid with similar properties. This amino acid position is conserved. In addition, the in silico prediction for this alteration is inconclusive. Based on the available evidence, the clinical significance of this variant remains unclear.